The following is an entry in ClinVar:

NM_053025.4(MYLK):c.2612G>A (p.Gly871Glu)

Gene: MYLK (myosin light chain kinase; minus strand). Cytogenetic location: 3q21.1.
Variant type: single nucleotide variant.
Coding change: c.2612G>A on transcript NM_053025.4 (MANE Select); coding-DNA position 2612, G replaced by A.
Protein change: p.Gly871Glu; replaces glycine 871 with glutamic acid.
Molecular consequence: missense variant.
Genome position (GRCh38, 1-based): chr3:123,700,856, C>T on the plus strand (G>A on the coding strand, the complement: MYLK is on the minus strand). VCF-style: chr3-123700856-C-T. GRCh37 (hg19) VCF-style: chr3-123419703-C-T.
Other names: c.2612G>A (NM_053025.3); c.2084G>A, p.Gly695Glu (NM_001321309.2); c.2405G>A, p.Gly802Glu (NM_053026.4, NM_053028.4); c.2612G>A, p.Gly871Glu (NM_053027.4); short protein forms G802E, G695E, G871E.
Identifiers: ClinVar variation 2992012 (VCV002992012.4), dbSNP rs1358465403, ClinGen allele CA354232097.
Genomic context (GRCh38, chr3:123,700,856, plus strand): 5'-TCCTGCTGGCGGATCGCCTCCTCAGTGTGCTGCCTCGTCTCCACGCGCCTCTTCAGCACC[C>T]CTCGCACGTCCTCGCCGTCTTCCTCCTCTAGCCAACCCTGCCCTCTTGCTGGCCAGCCAG-3'
Protein context (NP_444253.3, residues 861-881): LEEEDGEDVR[Gly871Glu]VLKRRVETRQ

ClinVar aggregate classification (germline): Uncertain significance. Review status: criteria provided, multiple submitters, no conflicts (2 of 4 stars). 2 submissions from 2 submitters: Uncertain significance (2). Last evaluated 2024-06-04.

Conditions:
Aortic aneurysm, familial thoracic 7 (AAT7). Also called: AORTIC DISSECTION, FAMILIAL, WITH OR WITHOUT AORTIC ANEURYSM. Identifiers: MedGen C3151077, MONDO:0013418, OMIM 613780.
Familial thoracic aortic aneurysm and aortic dissection (TAAD). Also called: Thoracic aortic aneurysms and dissections. Identifiers: Orphanet 91387, MedGen C4707243, MONDO:0019625.

Allele frequency attached by ClinVar (database versions not stated): TOPMed below 0.00001; gnomAD 0.00001.
gnomAD v4.1: 2 of 1,613,642 alleles (0.00012%); highest among the groups gnomAD compares: Admixed American, 0.0017%; no homozygotes.

Submissions (2):

Ambry Genetics
Classification: Uncertain significance for Familial thoracic aortic aneurysm and aortic dissection. Last evaluated: 2024-06-04. Review status: criteria provided, single submitter. Criteria: Ambry Variant Classification Scheme 2023. Collection method: clinical testing. Allele origin: germline.
Comment: The p.G871E variant (also known as c.2612G>A), located in coding exon 15 of the MYLK gene, results from a G to A substitution at nucleotide position 2612. The glycine at codon 871 is replaced by glutamic acid, an amino acid with similar properties. This amino acid position is conserved. In addition, the in silico prediction for this alteration is inconclusive. Based on the available evidence, the clinical significance of this variant remains unclear.

Labcorp Genetics (formerly Invitae), Labcorp
Classification: Uncertain significance for Aortic aneurysm, familial thoracic 7. Last evaluated: 2023-02-08. Review status: criteria provided, single submitter. Criteria: Invitae Variant Classification Sherloc (09022015). Collection method: clinical testing. Allele origin: germline.
Comment: In summary, the available evidence is currently insufficient to determine the role of this variant in disease. Therefore, it has been classified as a Variant of Uncertain Significance. Advanced modeling of protein sequence and biophysical properties (such as structural, functional, and spatial information, amino acid conservation, physicochemical variation, residue mobility, and thermodynamic stability) performed at Invitae indicates that this missense variant is not expected to disrupt MYLK protein function. This variant has not been reported in the literature in individuals affected with MYLK-related conditions. This variant is not present in population databases (gnomAD no frequency). This sequence change replaces glycine, which is neutral and non-polar, with glutamic acid, which is acidic and polar, at codon 871 of the MYLK protein (p.Gly871Glu).